The following is an entry in ClinVar:

ClinVar aggregate classification (germline): Uncertain significance (1 of 4 stars; one submission).

Conditions:
Inborn genetic diseases. Identifiers: MedGen C0950123, MeSH D030342.

gnomAD v4.1: 1 of 1,613,820 alleles (0.000062%); highest among the groups gnomAD compares: East Asian, 0.0022%; no homozygotes.

Submission:

Ambry Genetics
Classification: Uncertain significance for Inborn genetic diseases. Last evaluated: 2025-12-21. Review status: criteria provided, single submitter. Criteria: Ambry Variant Classification Scheme 2023. Collection method: clinical testing. Allele origin: germline.
Comment: The p.A1658V variant (also known as c.4973C>T), located in coding exon 20 of the FANCM gene, results from a C to T substitution at nucleotide position 4973. The alanine at codon 1658 is replaced by valine, an amino acid with similar properties. This amino acid position is conserved. In addition, this alteration is predicted to be tolerated by in silico analysis. Based on the available evidence, the clinical significance of this variant remains unclear.

NM_020937.4(FANCM):c.4973C>T (p.Ala1658Val)

Gene: FANCM (FA complementation group M; plus strand). Cytogenetic location: 14q21.2.
Variant type: single nucleotide variant.
Coding change: c.4973C>T on transcript NM_020937.4 (MANE Select); coding-DNA position 4973, C replaced by T.
Protein change: p.Ala1658Val; replaces alanine 1658 with valine.
Molecular consequence: missense variant.
Genome position (GRCh38, 1-based): chr14:45,188,995, C>T. VCF-style: chr14-45188995-C-T. GRCh37 (hg19) VCF-style: chr14-45658198-C-T.
Other names: c.4895C>T, p.Ala1632Val (NM_001308133.2); short protein forms A1632V, A1658V.
Identifiers: ClinVar variation 4841735 (VCV004841735.1).